The following is an entry in ClinVar:

NM_001040108.2(MLH3):c.463C>A (p.Leu155Ile)

Gene: MLH3 (mutL homolog 3; minus strand). Cytogenetic location: 14q24.3.
Variant type: single nucleotide variant.
Coding change: c.463C>A on transcript NM_001040108.2 (MANE Select); coding-DNA position 463, C replaced by A.
Protein change: p.Leu155Ile; replaces leucine 155 with isoleucine.
Molecular consequence: missense variant.
Genome position (GRCh38, 1-based): chr14:75,049,193, G>T on the plus strand (C>A on the coding strand, the complement: MLH3 is on the minus strand). VCF-style: chr14-75049193-G-T. GRCh37 (hg19) VCF-style: chr14-75515896-G-T.
Other names: c.463C>A, p.Leu155Ile (NM_014381.3); short protein forms L155I.
Identifiers: ClinVar variation 2563550 (VCV002563550.2), dbSNP rs2139605415, ClinGen allele CA390450150.
Genomic context (GRCh38, chr14:75,049,193, plus strand): 5'-TTCTCTGCCTAACCTTCTCAAACTCCAGTCTAGGGTCCATGCATTTCCTCCTTACAGGAA[G>T]CTGGTAAAATAGGTTATACACTGTTACAGTAGTCCCAGCGCTTGCTCTAGTCACATCAGC-3'
Protein context (NP_001035197.1, residues 145-165): TVTVYNLFYQ[Leu155Ile]PVRRKCMDPR

ClinVar aggregate classification (germline): Uncertain significance (1 of 4 stars; one submission).

Submission:

Ambry Genetics
Classification: Uncertain significance. Last evaluated: 2023-04-28. Review status: criteria provided, single submitter. Criteria: Ambry Variant Classification Scheme 2023. Collection method: clinical testing. Allele origin: germline.
Comment: The p.L155I variant (also known as c.463C>A), located in coding exon 1 of the MLH3 gene, results from a C to A substitution at nucleotide position 463. The leucine at codon 155 is replaced by isoleucine, an amino acid with highly similar properties. This amino acid position is conserved. In addition, this alteration is predicted to be tolerated by in silico analysis. Since supporting evidence is limited at this time, the clinical significance of this alteration remains unclear.